The following is an entry in ClinVar:

ClinVar aggregate classification (germline): Uncertain significance (1 of 4 stars; one submission).

Conditions:
Inborn genetic diseases. Identifiers: MedGen C0950123, MeSH D030342.

gnomAD v4.1: 1 of 1,614,108 alleles (0.000062%); highest among the groups gnomAD compares: Non-Finnish European, 0.000085%; no homozygotes.

Submission:

Ambry Genetics
Classification: Uncertain significance for Inborn genetic diseases. Last evaluated: 2023-04-13. Review status: criteria provided, single submitter. Criteria: Ambry Variant Classification Scheme 2023. Collection method: clinical testing. Allele origin: germline.
Comment: The p.M438L variant (also known as c.1312A>T), located in coding exon 14 of the ERCC2 gene, results from an A to T substitution at nucleotide position 1312. The methionine at codon 438 is replaced by leucine, an amino acid with highly similar properties. This amino acid position is conserved. In addition, the in silico prediction for this alteration is inconclusive. Since supporting evidence is limited at this time, the clinical significance of this alteration remains unclear.

NM_000400.4(ERCC2):c.1312A>T (p.Met438Leu)

Gene: ERCC2 (ERCC excision repair 2, TFIIH core complex helicase subunit; minus strand). Cytogenetic location: 19q13.32.
Variant type: single nucleotide variant.
Coding change: c.1312A>T on transcript NM_000400.4 (MANE Select); coding-DNA position 1312, A replaced by T.
Protein change: p.Met438Leu; replaces methionine 438 with leucine.
Molecular consequence: missense variant.
Genome position (GRCh38, 1-based): chr19:45,357,539, T>A on the plus strand (A>T on the coding strand, the complement: ERCC2 is on the minus strand). VCF-style: chr19-45357539-T-A. GRCh37 (hg19) VCF-style: chr19-45860797-T-A.
Other names: short protein forms M438L.
Identifiers: ClinVar variation 2561088 (VCV002561088.2), dbSNP rs2514013457, ClinGen allele CA406367722.
Genomic context (GRCh38, chr19:45,357,539, plus strand): 5'-ATGTGATGATGACAGACTGGAAACGCTCAAATACGGGTTTGATGGCCAGCGAGGCGTCCA[T>A]GCAGCTGGAGAGAGATGAGGGCAGTGAGGGCCCGGGGGGCTGGGCCCCCGACCCACAGAG-3'
Protein context (NP_000391.1, residues 428-448): IANPILHFSC[Met438Leu]DASLAIKPVF